The following is an entry in ClinVar:

NM_000081.4(LYST):c.4421G>A (p.Ser1474Asn)

Gene: LYST (lysosomal trafficking regulator; minus strand). Cytogenetic location: 1q42.3.
Variant type: single nucleotide variant.
Coding change: c.4421G>A on transcript NM_000081.4 (MANE Select); coding-DNA position 4421, G replaced by A.
Protein change: p.Ser1474Asn; replaces serine 1474 with asparagine.
Molecular consequence: missense variant.
Genome position (GRCh38, 1-based): chr1:235,791,821, C>T on the plus strand (G>A on the coding strand, the complement: LYST is on the minus strand). VCF-style: chr1-235791821-C-T. GRCh37 (hg19) VCF-style: chr1-235955121-C-T.
Other names: c.4421G>A, p.Ser1474Asn (NM_001301365.1); short protein forms S1474N.
Identifiers: ClinVar variation 1508671 (VCV001508671.7), dbSNP rs1423394609, ClinGen allele CA344959548.

ClinVar aggregate classification (germline): Uncertain significance (1 of 4 stars; one submission).

Conditions:
Chédiak-Higashi syndrome (CHS). Also called: Chediak-Higashi Syndrome. Identifiers: Orphanet 167, MedGen C0007965, MONDO:0008963, OMIM 214500.

Allele frequency attached by ClinVar (database versions not stated): gnomAD exomes below 0.00001.
gnomAD v4.1: 1 of 1,614,146 alleles (0.000062%); highest among the groups gnomAD compares: Non-Finnish European, 0.000085%; no homozygotes.

Submission:

Labcorp Genetics (formerly Invitae), Labcorp
Classification: Uncertain significance for Chédiak-Higashi syndrome. Last evaluated: 2021-04-02. Review status: criteria provided, single submitter. Criteria: Invitae Variant Classification Sherloc (09022015). Collection method: clinical testing. Allele origin: germline.
Comment: In summary, the available evidence is currently insufficient to determine the role of this variant in disease. Therefore, it has been classified as a Variant of Uncertain Significance. Algorithms developed to predict the effect of missense changes on protein structure and function are either unavailable or do not agree on the potential impact of this missense change (SIFT: "Tolerated"; PolyPhen-2: "Probably Damaging"; Align-GVGD: "Class C0"). This variant has not been reported in the literature in individuals with LYST-related conditions. This variant is not present in population databases (ExAC no frequency). This sequence change replaces serine with asparagine at codon 1474 of the LYST protein (p.Ser1474Asn). The serine residue is moderately conserved and there is a small physicochemical difference between serine and asparagine.